The following is an entry in ClinVar:

ClinVar aggregate classification (germline): Benign/Likely benign. Review status: criteria provided, multiple submitters, no conflicts (2 of 4 stars). 7 submissions from 7 submitters: Benign (3); Likely benign (2). 2 of the submissions do not count toward it. Last evaluated 2026-02-04.

Conditions:
Meckel-Gruber syndrome. Also called: DYSENCEPHALIA SPLANCHNOCYSTICA; GRUBER SYNDROME; Dysencephalia splachnocystica. Identifiers: Orphanet 564, MedGen C0265215, MONDO:0018921.
Joubert syndrome. Also called: Familial aplasia of the vermis; JOUBERT-BOLTSHAUSER SYNDROME. Identifiers: Orphanet 475, MedGen C5979921, MONDO:0018772.

Allele frequency attached by ClinVar (database versions not stated): 1000 Genomes Project 30x 0.00344; 1000 Genomes Project 0.00379; TOPMed 0.00527; ESP Exome Variant Server 0.00664; gnomAD 0.00664 and 0.00669; gnomAD exomes 0.00686 and 0.00932; ExAC 0.01134.
gnomAD v4.1: 14,219 of 1,581,264 alleles (0.9%); highest among the groups gnomAD compares: Non-Finnish European, 1.1%; 94 homozygotes.

Submissions (20):

Labcorp Genetics (formerly Invitae), Labcorp
Classification: Benign for Joubert syndrome; Meckel-Gruber syndrome. Last evaluated: 2026-02-04. Review status: criteria provided, single submitter. Criteria: Invitae Variant Classification Sherloc (09022015). Collection method: clinical testing. Allele origin: germline.

Mayo Clinic Laboratories, Mayo Clinic
Classification: Benign. Last evaluated: 2023-07-31. Review status: criteria provided, single submitter. Criteria: ACMG Guidelines, 2015. Collection method: clinical testing. Allele origin: germline. Observed: 6 variant alleles.
Comment: BS1, BS2, BP4, BP7

GeneDx
Classification: Benign. Last evaluated: 2014-05-27. Review status: criteria provided, single submitter. Criteria: GeneDx Variant Classification (06012015). Collection method: clinical testing. Allele origin: germline. Affected: yes.
Comment: This variant is considered likely benign or benign based on one or more of the following criteria: it is a conservative change, it occurs at a poorly conserved position in the protein, it is predicted to be benign by multiple in silico algorithms, and/or has population frequency not consistent with disease.

Breakthrough Genomics
Classification: Likely benign. Review status: criteria provided, single submitter. Criteria: ACMG Guidelines, 2015. Collection method: not provided. Allele origin: germline. Inheritance: Autosomal recessive inheritance. Affected: yes.

PreventionGenetics, part of Exact Sciences
Classification: Likely benign. Review status: criteria provided, single submitter. Criteria: ACMG Guidelines, 2015. Collection method: clinical testing. Allele origin: germline.

Clinical Genetics DNA and cytogenetics Diagnostics Lab, Erasmus MC, Erasmus Medical Center
Classification: Likely benign. Review status: no assertion criteria provided. Collection method: clinical testing. Allele origin: germline. Affected: yes. Study: VKGL Data-share Consensus. Not counted in ClinVar's aggregate classification.

Diagnostic Laboratory, Department of Genetics, University Medical Center Groningen
Classification: Likely benign. Review status: no assertion criteria provided. Collection method: clinical testing. Allele origin: germline. Affected: yes. Study: VKGL Data-share Consensus. Not counted in ClinVar's aggregate classification.

Dr. Peter K. Rogan Lab, Western University
No classification provided (evidence only). Condition: Lung cancer. Review status: no classification provided. Collection method: in vitro. Allele origin: not applicable. Functional consequence: skipped exon. Not counted in ClinVar's aggregate classification.

Dr. Peter K. Rogan Lab, Western University
No classification provided (evidence only). Condition: Lung cancer. Review status: no classification provided. Collection method: in vitro. Allele origin: not applicable. Functional consequence: skipped exon. Not counted in ClinVar's aggregate classification.

Dr. Peter K. Rogan Lab, Western University
No classification provided (evidence only). Condition: Acute myeloid leukemia. Review status: no classification provided. Collection method: in vitro. Allele origin: not applicable. Functional consequence: retained intron. Not counted in ClinVar's aggregate classification.

Dr. Peter K. Rogan Lab, Western University
No classification provided (evidence only). Condition: Acute myeloid leukemia. Review status: no classification provided. Collection method: in vitro. Allele origin: not applicable. Functional consequence: retained intron. Not counted in ClinVar's aggregate classification.

Dr. Peter K. Rogan Lab, Western University
No classification provided (evidence only). Condition: Uterine corpus endometrial carcinoma. Review status: no classification provided. Collection method: in vitro. Allele origin: not applicable. Functional consequence: retained intron. Not counted in ClinVar's aggregate classification.

Dr. Peter K. Rogan Lab, Western University
No classification provided (evidence only). Condition: Cervical cancer. Review status: no classification provided. Collection method: in vitro. Allele origin: not applicable. Functional consequence: skipped exon. Not counted in ClinVar's aggregate classification.

Dr. Peter K. Rogan Lab, Western University
No classification provided (evidence only). Condition: Cervical cancer. Review status: no classification provided. Collection method: in vitro. Allele origin: not applicable. Functional consequence: retained intron. Not counted in ClinVar's aggregate classification.

Dr. Peter K. Rogan Lab, Western University
No classification provided (evidence only). Condition: Cervical cancer. Review status: no classification provided. Collection method: in vitro. Allele origin: not applicable. Functional consequence: skipped exon. Not counted in ClinVar's aggregate classification.

Dr. Peter K. Rogan Lab, Western University
No classification provided (evidence only). Condition: Uterine carcinosarcoma. Review status: no classification provided. Collection method: in vitro. Allele origin: not applicable. Functional consequence: retained intron. Not counted in ClinVar's aggregate classification.

Dr. Peter K. Rogan Lab, Western University
No classification provided (evidence only). Condition: Malignant tumor of esophagus. Review status: no classification provided. Collection method: in vitro. Allele origin: not applicable. Functional consequence: retained intron. Not counted in ClinVar's aggregate classification.

Dr. Peter K. Rogan Lab, Western University
No classification provided (evidence only). Condition: Malignant tumor of esophagus. Review status: no classification provided. Collection method: in vitro. Allele origin: not applicable. Functional consequence: skipped exon. Not counted in ClinVar's aggregate classification.

Dr. Peter K. Rogan Lab, Western University
No classification provided (evidence only). Condition: Nonpapillary renal cell carcinoma. Review status: no classification provided. Collection method: in vitro. Allele origin: not applicable. Functional consequence: retained intron. Not counted in ClinVar's aggregate classification.

Dr. Peter K. Rogan Lab, Western University
No classification provided (evidence only). Condition: Lymphoma. Review status: no classification provided. Collection method: in vitro. Allele origin: not applicable. Functional consequence: retained intron. Not counted in ClinVar's aggregate classification.

NM_001378615.1(CC2D2A):c.541-20T>G

Genes: CC2D2A (coiled-coil and C2 domain containing 2A; plus strand), FBXL5 (F-box and leucine rich repeat protein 5; minus strand). Cytogenetic location: 4p15.32.
Variant type: single nucleotide variant.
Coding change: c.541-20T>G on transcript NM_001378615.1 (MANE Select); 20 bases into the intron before coding-DNA position 541, T replaced by G.
Molecular consequence: intron variant. On other transcripts: genic downstream transcript variant (1).
Genome position (GRCh38, 1-based): chr4:15,511,227, T>G. VCF-style: chr4-15511227-T-G. GRCh37 (hg19) VCF-style: chr4-15512850-T-G.
Other names: p.?; c.541-20T>G (NM_001080522.2); c.394-20T>G (NM_001378617.1); c.*30014T>G (NM_020785.2).
Identifiers: ClinVar variation 136678 (VCV000136678.18), dbSNP rs114335547, ClinGen allele CA289980.